The following is an entry in ClinVar:

NM_006393.3(NEBL):c.2105C>T (p.Pro702Leu)

Genes: NEBL (nebulette; minus strand), LOC126860875 (MED14-independent group 3 enhancer GRCh37_chr10:21105746-21106945; plus strand). Cytogenetic location: 10p12.31.
Variant type: single nucleotide variant.
Coding change: c.2105C>T on transcript NM_006393.3 (MANE Select); coding-DNA position 2105, C replaced by T.
Protein change: p.Pro702Leu; replaces proline 702 with leucine.
Molecular consequence: missense variant. On other transcripts: intron variant (9).
Genome position (GRCh38, 1-based): chr10:20,817,643, G>A on the plus strand (C>T on the coding strand, the complement: NEBL is on the minus strand). VCF-style: chr10-20817643-G-A. GRCh37 (hg19) VCF-style: chr10-21106572-G-A.
Other names: c.250-4703C>T (NM_001377326.1, NM_001377327.1, NM_001377328.1); c.358-4703C>T (NM_213569.2, NM_001173484.2, NM_001377322.1); c.301-4703C>T (NM_001377324.1); c.292-4703C>T (NM_001377325.1); c.310-4703C>T (NM_001377323.1); short protein forms P702L.
Identifiers: ClinVar variation 1413118 (VCV001413118.8), dbSNP rs1838860400, ClinGen allele CA376094115.
Genomic context (GRCh38, chr10:20,817,643, plus strand): 5'-TACTAAGATGATCACACATTGCTGATGTTTTTCTGGTTTTCTTTTGCCCTCTTCAGCTCT[G>A]GTGGATCAGAAATTGCAGTTCCCCGTTGAAGTTCTCCCTTATATTTTACCTAAGAAGGAT-3'
Protein context (NP_006384.1, residues 692-712): LQRGTAISDP[Pro702Leu]ELKRAKENQK

ClinVar aggregate classification (germline): Uncertain significance (1 of 4 stars; one submission).

Conditions:
Primary dilated cardiomyopathy (DCM). Also called: Dilated Cardiomyopathy. Identifiers: Orphanet 217604, MedGen C0007193, MeSH D002311, MONDO:0005021, HP:0001644. Inheritance: Various modes of inheritance.

Allele frequency attached by ClinVar (database versions not stated): gnomAD exomes below 0.00001; gnomAD 0.00001.
gnomAD v4.1: 2 of 1,613,746 alleles (0.00012%); highest among the groups gnomAD compares: South Asian, 0.0011%; no homozygotes.

Submission:

Labcorp Genetics (formerly Invitae), Labcorp
Classification: Uncertain significance for Primary dilated cardiomyopathy. Last evaluated: 2022-06-27. Review status: criteria provided, single submitter. Criteria: Invitae Variant Classification Sherloc (09022015). Collection method: clinical testing. Allele origin: germline.
Comment: This variant is not present in population databases (gnomAD no frequency). This variant has not been reported in the literature in individuals affected with NEBL-related conditions. Algorithms developed to predict the effect of missense changes on protein structure and function are either unavailable or do not agree on the potential impact of this missense change (SIFT: "Tolerated"; PolyPhen-2: "Possibly Damaging"; Align-GVGD: "Class C0"). In summary, the available evidence is currently insufficient to determine the role of this variant in disease. Therefore, it has been classified as a Variant of Uncertain Significance. This sequence change replaces proline, which is neutral and non-polar, with leucine, which is neutral and non-polar, at codon 702 of the NEBL protein (p.Pro702Leu).